The following is an entry in ClinVar:

NM_005465.7(AKT3):c.209A>G (p.Asn70Ser)

Gene: AKT3 (AKT serine/threonine kinase 3; minus strand). Cytogenetic location: 1q44.
Variant type: single nucleotide variant.
Coding change: c.209A>G on transcript NM_005465.7 (MANE Select); coding-DNA position 209, A replaced by G.
Protein change: p.Asn70Ser; replaces asparagine 70 with serine.
Molecular consequence: missense variant.
Genome position (GRCh38, 1-based): chr1:243,664,847, T>C on the plus strand (A>G on the coding strand, the complement: AKT3 is on the minus strand). VCF-style: chr1-243664847-T-C. GRCh37 (hg19) VCF-style: chr1-243828149-T-C.
Other names: c.209A>G, p.Asn70Ser (NM_001206729.2, NM_001370074.1, NM_181690.2); short protein forms N70S.
Identifiers: ClinVar variation 3771518 (VCV003771518.13).
Genomic context (GRCh38, chr1:243,664,847, plus strand): 5'-TCTACATGAAATGTTCTCTCTATAACAGTAGTCCACTGGAGACATCTGATTATAAATGTG[T>C]TTGGCTTTGGTCGTTCTGTTTTCATTAACTGGCATTCTAAGAATAAAATAAAATGTTTCT-3'
Protein context (NP_005456.1, residues 60-80): QLMKTERPKP[Asn70Ser]TFIIRCLQWT

ClinVar aggregate classification (germline): Uncertain significance (1 of 4 stars; one submission).

Submission:

CeGaT Center for Human Genetics Tuebingen
Classification: Uncertain significance. Last evaluated: 2024-12-01. Review status: criteria provided, single submitter. Criteria: CeGaT Center For Human Genetics Tuebingen Variant Classification Criteria Version 2. Collection method: clinical testing. Allele origin: germline. Affected: yes. Observed: 1 variant allele.
Comment: AKT3: PM2, PP2